The following is an entry in ClinVar:

NM_004304.5(ALK):c.2932G>A (p.Glu978Lys)

Gene: ALK (ALK receptor tyrosine kinase; minus strand). Cytogenetic location: 2p23.2.
Variant type: single nucleotide variant.
Coding change: c.2932G>A on transcript NM_004304.5 (MANE Select); coding-DNA position 2932, G replaced by A.
Protein change: p.Glu978Lys; replaces glutamic acid 978 with lysine.
Molecular consequence: missense variant.
Genome position (GRCh38, 1-based): chr2:29,227,057, C>T on the plus strand (G>A on the coding strand, the complement: ALK is on the minus strand). VCF-style: chr2-29227057-C-T. GRCh37 (hg19) VCF-style: chr2-29449923-C-T.
Other names: short protein forms E978K.
Identifiers: ClinVar variation 3523876 (VCV003523876.1).
Genomic context (GRCh38, chr2:29,227,057, plus strand): 5'-CCATGTGACATTCGTCTACCTCACAGTGACTGCAGTTTAGATAATGCTTAATATTCACTT[C>T]CCCGTGGCCTTCCATCACTAGTGACAAGGAGGGAGGGTCAGTCTTGGGCCGAGCCTGCCT-3'
Protein context (NP_004295.2, residues 968-988): PALKVMEGHG[Glu978Lys]VNIKHYLNCS

ClinVar aggregate classification (germline): Uncertain significance (1 of 4 stars; one submission).

Conditions:
Hereditary cancer-predisposing syndrome. Also called: Hereditary Cancer Syndrome; Hereditary neoplastic syndrome; Tumor predisposition; Neoplastic Syndromes, Hereditary. Identifiers: Orphanet 140162, MedGen C0027672, MeSH D009386, MONDO:0015356.

Submission:

Ambry Genetics
Classification: Uncertain significance for Hereditary cancer-predisposing syndrome. Last evaluated: 2024-06-25. Review status: criteria provided, single submitter. Criteria: Ambry Variant Classification Scheme 2023. Collection method: clinical testing. Allele origin: germline.
Comment: The p.E978K variant (also known as c.2932G>A), located in coding exon 18 of the ALK gene, results from a G to A substitution at nucleotide position 2932. The glutamic acid at codon 978 is replaced by lysine, an amino acid with similar properties. This amino acid position is conserved. In addition, this alteration is predicted to be deleterious by in silico analysis. Based on the available evidence, the clinical significance of this variant remains unclear.